The following is an entry in ClinVar:

NM_014694.4(ADAMTSL2):c.249G>A (p.Pro83=)

Gene: ADAMTSL2 (ADAMTS like 2; plus strand). Cytogenetic location: 9q34.2.
Variant type: single nucleotide variant.
Coding change: c.249G>A on transcript NM_014694.4 (MANE Select); coding-DNA position 249, G replaced by A.
Protein change: p.Pro83=; no amino-acid change (proline 83 retained).
Molecular consequence: synonymous variant.
Genome position (GRCh38, 1-based): chr9:133,538,364, G>A. VCF-style: chr9-133538364-G-A. GRCh37 (hg19) VCF-style: chr9-136403486-G-A.
Other names: c.249G>A, p.Pro83= (NM_001145320.2).
Identifiers: ClinVar variation 3344616 (VCV003344616.1).
Genomic context (GRCh38, chr9:133,538,364, plus strand): 5'-AAACTCCTCTGCAGCCCTCACTCCGAGCCTGCATCTTTCTGCCAGGAGGAAGTCCGTCCC[G>A]GGCCCCGGGAACAGGACCTGCACGGGCACGTCCAAGCGGTACCAGCTCTGCAGAGTGCAG-3'
Protein context (NP_055509.2, residues 73-93): HCLQQRRKSV[Pro83=]GPGNRTCTGT

ClinVar aggregate classification (germline): Likely benign (0 of 4 stars; one submission).

Conditions:
ADAMTSL2-related disorder. Also called: ADAMTSL2-related condition.

gnomAD v4.1: 164 of 1,613,370 alleles (0.01%); highest among the groups gnomAD compares: Non-Finnish European, 0.012%; no homozygotes.

Submission:

PreventionGenetics, part of Exact Sciences
Classification: Likely benign for ADAMTSL2-related condition. Last evaluated: 2024-06-10. Review status: no assertion criteria provided. Collection method: clinical testing. Allele origin: germline.
Comment: This variant is classified as likely benign based on ACMG/AMP sequence variant interpretation guidelines (Richards et al. 2015 PMID: 25741868, with internal and published modifications).